The following is an entry in ClinVar:

NM_000540.3(RYR1):c.3352G>A (p.Glu1118Lys)

Gene: RYR1 (ryanodine receptor 1; plus strand). Cytogenetic location: 19q13.2.
Variant type: single nucleotide variant.
Coding change: c.3352G>A on transcript NM_000540.3 (MANE Select); coding-DNA position 3352, G replaced by A.
Protein change: p.Glu1118Lys; replaces glutamic acid 1118 with lysine.
Molecular consequence: missense variant.
Genome position (GRCh38, 1-based): chr19:38,467,783, G>A. VCF-style: chr19-38467783-G-A. GRCh37 (hg19) VCF-style: chr19-38958423-G-A.
Other names: c.3352G>A, p.Glu1118Lys (NM_001042723.2); short protein forms E1118K.
Identifiers: ClinVar variation 574610 (VCV000574610.17), dbSNP rs578234912, ClinGen allele CA064710.

ClinVar aggregate classification (germline): Uncertain significance. Review status: criteria provided, multiple submitters, no conflicts (2 of 4 stars). 5 submissions from 5 submitters: Uncertain significance (4). 1 of the submissions does not count toward it. Last evaluated 2025-10-02.

Conditions:
Malignant hyperthermia, susceptibility to, 1 (MHS1). Also called: RYR1-Related Malignant Hyperthermia Susceptibility; Malignant hyperthermia suceptibility 1; Anesthesia related hyperthermia; Malignant hyperpyrexia; Fulminating hyperpyrexia; Pharmacogenic myopathy. Identifiers: Orphanet 423, MedGen C2930980, MONDO:0007783, OMIM 145600.
Central core myopathy (CMYO1A). Also called: Central core disease; Myopathy, central fibrillar; CONGENITAL MYOPATHY 1A, AUTOSOMAL DOMINANT, WITH SUSCEPTIBILITY TO MALIGNANT HYPERTHERMIA. Identifiers: Orphanet 597, MedGen C5830701, MONDO:0007294, OMIM 117000.
King Denborough syndrome (KDS). Identifiers: MedGen C1840365, MONDO:0020485, OMIM 619542.
Congenital multicore myopathy with external ophthalmoplegia (CMYO1B). Also called: Minicore myopathy with external ophthalmoplegia; MULTIMINICORE DISEASE WITH EXTERNAL OPHTHALMOPLEGIA; Congenital myopathy 1B, autosomal recessive; Minicore myopathy; MULTICORE MYOPATHY. Identifiers: Orphanet 598, Orphanet 98905, MedGen C1850674, MONDO:0009712, OMIM 255320, HP:0003789.
Congenital myopathy with fiber type disproportion. Also called: Congenital fiber-type disproportion myopathy; Congenital fiber-type disproportion. Identifiers: Orphanet 2020, MedGen C0546264, MONDO:0009711. Inheritance: all.
RYR1-related disorder. Also called: RYR1-related disorders; RYR1-related condition. Identifiers: MedGen CN239331.

Allele frequency attached by ClinVar (database versions not stated): gnomAD exomes 0.00005 and 0.00007; gnomAD 0.00006 and 0.00005; TOPMed 0.00006; 1000 Genomes Project 30x 0.00016; ExAC 0.00005; 1000 Genomes Project 0.00020.
gnomAD v4.1: 115 of 1,614,144 alleles (0.0071%); highest among the groups gnomAD compares: Middle Eastern, 0.05%; no homozygotes.

Submissions (5):

Labcorp Genetics (formerly Invitae), Labcorp
Classification: Uncertain significance for RYR1-related disorder. Last evaluated: 2025-10-02. Review status: criteria provided, single submitter. Criteria: Invitae Variant Classification Sherloc (09022015). Collection method: clinical testing. Allele origin: germline.
Comment: This sequence change replaces glutamic acid, which is acidic and polar, with lysine, which is basic and polar, at codon 1118 of the RYR1 protein (p.Glu1118Lys). This variant is present in population databases (rs578234912, gnomAD 0.02%). This variant has not been reported in the literature in individuals affected with RYR1-related conditions. ClinVar contains an entry for this variant (Variation ID: 574610). Invitae Evidence Modeling of protein sequence and biophysical properties (such as structural, functional, and spatial information, amino acid conservation, physicochemical variation, residue mobility, and thermodynamic stability) indicates that this missense variant is not expected to disrupt RYR1 protein function with a negative predictive value of 95%. In summary, the available evidence is currently insufficient to determine the role of this variant in disease. Therefore, it has been classified as a Variant of Uncertain Significance.

Color Diagnostics, LLC DBA Color Health
Classification: Uncertain significance for Malignant hyperthermia, susceptibility to, 1. Last evaluated: 2023-12-13. Review status: criteria provided, single submitter. Criteria: ACMG Guidelines, 2015. Collection method: clinical testing. Allele origin: germline.
Comment: This missense variant replaces glutamic acid with lysine at codon 1118 of the RYR1 protein. Computational prediction suggests that this variant may not impact protein structure and function. To our knowledge, functional studies have not been reported for this variant. This variant has not been reported in individuals affected with RYR1-related disorders in the literature. This variant has been identified in 12/251212 chromosomes in the general population by the Genome Aggregation Database (gnomAD). The available evidence is insufficient to determine the role of this variant in disease conclusively. Therefore, this variant is classified as a Variant of Uncertain Significance.

GeneDx
Classification: Uncertain significance. Last evaluated: 2022-10-24. Review status: criteria provided, single submitter. Criteria: GeneDx Variant Classification Process June 2021. Collection method: clinical testing. Allele origin: germline. Affected: yes.
Comment: In silico analysis supports that this missense variant has a deleterious effect on protein structure/function; Has not been previously published as pathogenic or benign to our knowledge

Fulgent Genetics
Classification: Uncertain significance for Central core myopathy; Malignant hyperthermia, susceptibility to, 1; Congenital myopathy 4A, autosomal dominant; Congenital multicore myopathy with external ophthalmoplegia; King Denborough syndrome. Last evaluated: 2021-08-23. Review status: criteria provided, single submitter. Criteria: ACMG Guidelines, 2015. Collection method: clinical testing. Allele origin: unknown.

PreventionGenetics, part of Exact Sciences
Classification: Uncertain significance for RYR1-related condition. Last evaluated: 2024-03-19. Review status: no assertion criteria provided. Collection method: clinical testing. Allele origin: germline. Not counted in ClinVar's aggregate classification.
Comment: The RYR1 c.3352G>A variant is predicted to result in the amino acid substitution p.Glu1118Lys. To our knowledge, this variant has not been reported in the literature. This variant is reported in 0.016% of alleles in individuals of East Asian descent in gnomAD. At this time, the clinical significance of this variant is uncertain due to the absence of conclusive functional and genetic evidence.